The following is an entry in ClinVar:

NM_001848.3(COL6A1):c.923G>T (p.Gly308Val)

Gene: COL6A1 (collagen type VI alpha 1 chain; plus strand). Cytogenetic location: 21q22.3.
Variant type: single nucleotide variant.
Coding change: c.923G>T on transcript NM_001848.3 (MANE Select); coding-DNA position 923, G replaced by T.
Protein change: p.Gly308Val; replaces glycine 308 with valine.
Molecular consequence: missense variant.
Genome position (GRCh38, 1-based): chr21:45,989,771, G>T. VCF-style: chr21-45989771-G-T. GRCh37 (hg19) VCF-style: chr21-47409685-G-T.
Other names: c.923G>T (NM_001848.2); short protein forms G308V.
Identifiers: ClinVar variation 1009347 (VCV001009347.10), dbSNP rs2077763346, ClinGen allele CA410522347.

ClinVar aggregate classification (germline): Uncertain significance. Review status: criteria provided, single submitter (1 of 4 stars). 2 submissions from 2 submitters: Uncertain significance (1). 1 of the submissions does not count toward it. Last evaluated 2020-09-15.

Conditions:
Bethlem myopathy 1A. Also called: Bethlem Muscular Dystrophy; MYOPATHY, BENIGN CONGENITAL, WITH CONTRACTURES; Bethlem myopathy 1. Identifiers: Orphanet 610, MedGen CN029274, MONDO:0024530, OMIM 158810.
COL6A1-related disorder. Also called: COL6A1-related condition.

Submissions (2):

Labcorp Genetics (formerly Invitae), Labcorp
Classification: Uncertain significance for Bethlem myopathy 1A. Last evaluated: 2020-09-15. Review status: criteria provided, single submitter. Criteria: Invitae Variant Classification Sherloc (09022015). Collection method: clinical testing. Allele origin: germline.
Comment: In summary, the available evidence is currently insufficient to determine the role of this variant in disease. Therefore, it has been classified as a Variant of Uncertain Significance. This variant has not been reported in the literature in individuals with COL6A1-related conditions. Advanced modeling of protein sequence and biophysical properties (such as structural, functional, and spatial information, amino acid conservation, physicochemical variation, residue mobility, and thermodynamic stability) performed at Invitae indicates that this missense variant is expected to disrupt COL6A1 protein function. This variant disrupts the triple helix domain of COL6A1. Glycine residues within the Gly-Xaa-Yaa repeats of the triple helix domain are required for the structure and stability of fibrillar collagens (PMID: 7695699, 8218237, 19344236). In COL6A1, variants at these glycine residues are significantly enriched in individuals with disease (PMID: 15689448, 24038877) compared to the general population (ExAC). This sequence change replaces glycine with valine at codon 308 of the COL6A1 protein (p.Gly308Val). The glycine residue is highly conserved and there is a moderate physicochemical difference between glycine and valine. This variant is not present in population databases (ExAC no frequency).

PreventionGenetics, part of Exact Sciences
Classification: Likely pathogenic for COL6A1-related condition. Last evaluated: 2024-07-18. Review status: no assertion criteria provided. Collection method: clinical testing. Allele origin: germline. Not counted in ClinVar's aggregate classification.
Comment: The COL6A1 c.923G>T variant is predicted to result in the amino acid substitution p.Gly308Val. To our knowledge, this variant has not been reported in the literature or in a large population database, indicating this variant is rare. This variant occurs at glycine residue in triple helical domain and such variants in collagen genes are reported to be pathogenic. Many glycine substitutions both upstream and downstream of this variant have been reported as causative in COL6A1 related disorders (see for example Table S2, Foley et al. 2013. PubMed ID: 24271325). This variant is interpreted as likely pathogenic.

Literature cited by the submitters: PubMed 7695699 (cited by Labcorp Genetics (formerly Invitae), Labcorp); PubMed 8218237 (cited by Labcorp Genetics (formerly Invitae), Labcorp); PubMed 19344236 (cited by Labcorp Genetics (formerly Invitae), Labcorp); PubMed 15689448 (cited by Labcorp Genetics (formerly Invitae), Labcorp); PubMed 24038877 (cited by Labcorp Genetics (formerly Invitae), Labcorp).